The following is an entry in ClinVar:

ClinVar aggregate classification (germline): Uncertain significance (1 of 4 stars; one submission).

Submission:

GeneDx
Classification: Uncertain significance. Last evaluated: 2023-07-18. Review status: criteria provided, single submitter. Criteria: GeneDx Variant Classification Process June 2021. Collection method: clinical testing. Allele origin: germline. Affected: yes.
Comment: Not observed at significant frequency in large population cohorts (gnomAD); In silico analysis supports that this missense variant has a deleterious effect on protein structure/function; Has not been previously published as pathogenic or benign to our knowledge

NM_173500.4(TTBK2):c.194T>C (p.Val65Ala)

Gene: TTBK2 (tau tubulin kinase 2; minus strand). Cytogenetic location: 15q15.2.
Variant type: single nucleotide variant.
Coding change: c.194T>C on transcript NM_173500.4 (MANE Select); coding-DNA position 194, T replaced by C.
Protein change: p.Val65Ala; replaces valine 65 with alanine.
Molecular consequence: missense variant.
Genome position (GRCh38, 1-based): chr15:42,872,634, A>G on the plus strand (T>C on the coding strand, the complement: TTBK2 is on the minus strand). VCF-style: chr15-42872634-A-G. GRCh37 (hg19) VCF-style: chr15-43164832-A-G.
Other names: short protein forms V65A.
Identifiers: ClinVar variation 3361153 (VCV003361153.1).
Genomic context (GRCh38, chr15:42,872,634, plus strand): 5'-TACAAATCATAAATTGTATATTCTACAAAGGGCTTACCTTGCAGCTTTTTCAAAACAGCA[A>G]CTTCCATTTTCAGAACTTGTTTTGGTTGTTGAGCTGATTCCACCTTCAGTGCAACATTTT-3'
Protein context (NP_775771.3, residues 55-75): QQPKQVLKME[Val65Ala]AVLKKLQGKD